The following is an entry in ClinVar:

ClinVar aggregate classification (germline): Uncertain significance. Review status: criteria provided, multiple submitters, no conflicts (2 of 4 stars). 3 submissions from 3 submitters: Uncertain significance (3). Last evaluated 2023-08-15.

Conditions:
Cardiovascular phenotype. Identifiers: MedGen CN230736.
Long QT syndrome (LQTS). Identifiers: MedGen C0023976, MeSH D008133, MONDO:0002442. Disease mechanism: loss of function. Inheritance: Various modes of inheritance.

gnomAD v4.1: 1 of 1,613,788 alleles (0.000062%); highest among the groups gnomAD compares: Admixed American, 0.0017%; no homozygotes.

Submissions (3):

All of Us Research Program, National Institutes of Health
Classification: Uncertain significance for Long QT syndrome. Last evaluated: 2023-08-15. Review status: criteria provided, single submitter. Criteria: ACMG Guidelines, 2015. Collection method: clinical testing. Allele origin: germline. Inheritance: Autosomal dominant inheritance. Observed: 1 variant allele, 1 heterozygote.
Comment: This missense variant replaces glycine with arginine at codon 297 of the KCNQ1 protein. Computational prediction is inconclusive regarding the impact of this variant on protein structure and function (internally defined REVEL score threshold 0.5 < inconclusive < 0.7, PMID: 27666373). To our knowledge, functional studies have not been reported for this variant. This variant has not been reported in individuals affected with KCNQ1-related disorders in the literature. This variant has been identified in 1/250094 chromosomes in the general population by the Genome Aggregation Database (gnomAD). The available evidence is insufficient to determine the role of this variant in disease conclusively. Therefore, this variant is classified as a Variant of Uncertain Significance.

This study involves interpretation of variants in research participants for the purpose of population health screening. Participant phenotype was not available at the time of variant classification. Additional details can be found in publication PMID: 35346344, PMCID: PMC8962531

Labcorp Genetics (formerly Invitae), Labcorp
Classification: Uncertain significance for Long QT syndrome. Last evaluated: 2021-10-01. Review status: criteria provided, single submitter. Criteria: Invitae Variant Classification Sherloc (09022015). Collection method: clinical testing. Allele origin: germline.
Comment: In summary, the available evidence is currently insufficient to determine the role of this variant in disease. Therefore, it has been classified as a Variant of Uncertain Significance. Algorithms developed to predict the effect of missense changes on protein structure and function (SIFT, PolyPhen-2, Align-GVGD) all suggest that this variant is likely to be tolerated. This variant has not been reported in the literature in individuals affected with KCNQ1-related conditions. This variant is present in population databases (rs34320941, ExAC 0.009%). This sequence change replaces glycine with arginine at codon 297 of the KCNQ1 protein (p.Gly297Arg). The glycine residue is highly conserved and there is a moderate physicochemical difference between glycine and arginine.

Ambry Genetics
Classification: Uncertain significance for Cardiovascular phenotype. Last evaluated: 2021-05-06. Review status: criteria provided, single submitter. Criteria: Ambry Variant Classification Scheme 2023. Collection method: clinical testing. Allele origin: germline.
Comment: The p.G297R variant (also known as c.889G>C), located in coding exon 6 of the KCNQ1 gene, results from a G to C substitution at nucleotide position 889. The glycine at codon 297 is replaced by arginine, an amino acid with dissimilar properties, and is located in the transmembrane-spanning S5/pore region of the protein. This amino acid position is well conserved in available vertebrate species. In addition, the in silico prediction for this alteration is inconclusive. Since supporting evidence is limited at this time, the clinical significance of this alteration remains unclear.

NM_000218.3(KCNQ1):c.889G>C (p.Gly297Arg)

Gene: KCNQ1 (potassium voltage-gated channel subfamily Q member 1; plus strand). Cytogenetic location: 11p15.5.
Variant type: single nucleotide variant.
Coding change: c.889G>C on transcript NM_000218.3 (MANE Select); coding-DNA position 889, G replaced by C.
Protein change: p.Gly297Arg; replaces glycine 297 with arginine.
Molecular consequence: missense variant.
Genome position (GRCh38, 1-based): chr11:2,572,954, G>C. VCF-style: chr11-2572954-G-C. GRCh37 (hg19) VCF-style: chr11-2594184-G-C.
Other names: c.889G>C, p.Gly297Arg (NM_001406836.1); c.619G>C, p.Gly207Arg (NM_001406837.1); c.508G>C, p.Gly170Arg (NM_181798.2); short protein forms G170R, G297R, G207R.
Identifiers: ClinVar variation 1378012 (VCV001378012.10), dbSNP rs34320941, ClinGen allele CA041239.